The following is an entry in ClinVar:

ClinVar aggregate classification (germline): Uncertain significance (1 of 4 stars; one submission).

Submission:

Labcorp Genetics (formerly Invitae), Labcorp
Classification: Uncertain significance. Last evaluated: 2022-08-16. Review status: criteria provided, single submitter. Criteria: Invitae Variant Classification Sherloc (09022015). Collection method: clinical testing. Allele origin: germline.
Comment: This sequence change replaces serine, which is neutral and polar, with arginine, which is basic and polar, at codon 381 of the DHX32 protein (p.Ser381Arg). In summary, the available evidence is currently insufficient to determine the role of this variant in disease. Therefore, it has been classified as a Variant of Uncertain Significance. Algorithms developed to predict the effect of missense changes on protein structure and function (SIFT, PolyPhen-2, Align-GVGD) all suggest that this variant is likely to be disruptive. This variant has not been reported in the literature in individuals affected with DHX32-related conditions. This variant is not present in population databases (gnomAD no frequency).

NM_018180.3(DHX32):c.1143C>G (p.Ser381Arg)

Genes: BCCIP (BRCA2 and CDKN1A interacting protein; plus strand), DHX32 (DEAH-box helicase 32 (putative); minus strand). Cytogenetic location: 10q26.2.
Variant type: single nucleotide variant.
Coding change: c.1143C>G on transcript NM_018180.3 (MANE Select); coding-DNA position 1143, C replaced by G.
Protein change: p.Ser381Arg; replaces serine 381 with arginine.
Molecular consequence: missense variant. On other transcripts: intron variant (1).
Genome position (GRCh38, 1-based): chr10:125,852,592, G>C on the plus strand (C>G on the coding strand, the complement: DHX32 is on the minus strand). VCF-style: chr10-125852592-G-C. GRCh37 (hg19) VCF-style: chr10-127541161-G-C.
Other names: c.851-533G>C (NM_016567.4); short protein forms S381R.
Identifiers: ClinVar variation 1998890 (VCV001998890.4), dbSNP rs1944105180, ClinGen allele CA378675729.